The following is an entry in ClinVar:

ClinVar aggregate classification (germline): Conflicting classifications of pathogenicity. Review status: criteria provided, conflicting classifications (1 of 4 stars). 8 submissions from 8 submitters: Uncertain significance (5); Benign (1); Likely benign (2). Last evaluated 2026-03-02.

Conditions:
Familial thoracic aortic aneurysm and aortic dissection (TAAD). Also called: Thoracic aortic aneurysms and dissections. Identifiers: Orphanet 91387, MedGen C4707243, MONDO:0019625.
Ehlers-Danlos syndrome, type 4 (EDSVASC). Also called: Ehlers-Danlos syndrome vascular type; Ehlers Danlos syndrome, ecchymotic type; Ehlers Danlos syndrome, arterial type; Ehlers Danlos syndrome, Sack-Barabas type; Ehlers-Danlos Syndrome Type IV. Identifiers: Orphanet 286, MedGen C0268338, MONDO:0017314, OMIM 130050.

Allele frequency attached by ClinVar (database versions not stated): ExAC 0.00001; gnomAD 0.00003; gnomAD exomes 0.00003; TOPMed 0.00003; ESP Exome Variant Server 0.00008.
gnomAD v4.1: 160 of 1,612,732 alleles (0.0099%); highest among the groups gnomAD compares: Non-Finnish European, 0.012%; no homozygotes.

Submissions (8):

Women's Health and Genetics/Laboratory Corporation of America, LabCorp
Classification: Uncertain significance. Last evaluated: 2026-03-02. Review status: criteria provided, single submitter. Criteria: LabCorp Variant Classification Summary - May 2015. Collection method: clinical testing. Allele origin: germline.
Comment: Variant summary: COL3A1 c.1662C>T (p.Pro554Pro) alters a non-conserved nucleotide located close to a canonical splice site and therefore could affect mRNA splicing, leading to a significantly altered protein sequence. Several computational tools predict a significant impact on normal splicing: two predict the variant weakens-, while one predicts the variant abolishes the 5' splicing donor site. However, these predictions have yet to be confirmed by functional studies. The variant allele was found at a frequency of 0.0001 in 1605744 control chromosomes, predominantly at a frequency of 0.00012 within the Non-Finnish European subpopulation in the gnomAD database. This frequency is not significantly higher than estimated for disease-causing variants in COL3A1, allowing no conclusion about variant significance. To our knowledge, no occurrence of c.1662C>T in individuals affected with COL3A1-related conditions and no experimental evidence demonstrating its impact on protein function have been reported. ClinVar contains an entry for this variant (Variation ID: 459767). Based on the evidence outlined above, the variant was classified as uncertain significance.

Labcorp Genetics (formerly Invitae), Labcorp
Classification: Uncertain significance for Ehlers-Danlos syndrome, type 4. Last evaluated: 2025-10-31. Review status: criteria provided, single submitter. Criteria: Invitae Variant Classification Sherloc (09022015). Collection method: clinical testing. Allele origin: germline.
Comment: This sequence change affects codon 554 of the COL3A1 mRNA. It is a 'silent' change, meaning that it does not change the encoded amino acid sequence of the COL3A1 protein. It affects a nucleotide within the consensus splice site. This variant is present in population databases (rs373963384, gnomAD 0.006%). This variant has not been reported in the literature in individuals affected with COL3A1-related conditions. ClinVar contains an entry for this variant (Variation ID: 459767). Algorithms developed to predict the effect of sequence changes on RNA splicing suggest that this variant is not likely to affect RNA splicing. In summary, the available evidence is currently insufficient to determine the role of this variant in disease. Therefore, it has been classified as a Variant of Uncertain Significance.

Mayo Clinic Laboratories, Mayo Clinic
Classification: Likely benign. Last evaluated: 2025-07-22. Review status: criteria provided, single submitter. Criteria: ACMG Guidelines, 2015. Collection method: clinical testing. Allele origin: germline. Observed: 1 variant allele.
Comment: BS1, BP4

Color Diagnostics, LLC DBA Color Health
Classification: Likely benign for Familial thoracic aortic aneurysm and aortic dissection. Last evaluated: 2025-06-12. Review status: criteria provided, single submitter. Criteria: ACMG Guidelines, 2015. Collection method: clinical testing. Allele origin: germline.

Blueprint Genetics
Classification: Uncertain significance. Last evaluated: 2024-01-08. Review status: criteria provided, single submitter. Criteria: ACMG Guidelines, 2015. Collection method: clinical testing. Allele origin: germline.

All of Us Research Program, National Institutes of Health
Classification: Uncertain significance for Ehlers-Danlos syndrome, type 4. Last evaluated: 2023-12-13. Review status: criteria provided, single submitter. Criteria: ACMG Guidelines, 2015. Collection method: clinical testing. Allele origin: germline. Inheritance: Autosomal dominant inheritance. Observed: 16 variant alleles, 16 heterozygotes.
Comment: This synonymous variant does not change the amino acid sequence of the COL3A1 protein. However, computational splicing tools suggest that this variant may impact RNA splicing. To our knowledge, functional studies have not been performed for this variant nor has this variant been reported in individuals affected with cardiovascular disorders in the literature. This variant has been identified in 9/282376 chromosomes in the general population by the Genome Aggregation Database (gnomAD). Available evidence is insufficient to determine the role of this variant in disease conclusively. Therefore, this variant is classified as a Variant of Uncertain Significance.

This study involves interpretation of variants in research participants for the purpose of population health screening. Participant phenotype was not available at the time of variant classification. Additional details can be found in publication PMID: 35346344, PMCID: PMC8962531

Ambry Genetics
Classification: Benign for Familial thoracic aortic aneurysm and aortic dissection. Last evaluated: 2021-11-29. Review status: criteria provided, single submitter. Criteria: Ambry Variant Classification Scheme 2023. Collection method: clinical testing. Allele origin: germline.

GeneDx
Classification: Uncertain significance. Last evaluated: 2019-08-20. Review status: criteria provided, single submitter. Criteria: GeneDx Variant Classification Process June 2021. Collection method: clinical testing. Allele origin: germline. Affected: yes.
Comment: Has not been previously published as pathogenic or benign to our knowledge; In-silico analysis, which includes splice predictors and evolutionary conservation, is inconclusive as to whether the variant alters gene splicing. In the absence of RNA/functional studies, the actual effect of this sequence change is unknown.

NM_000090.4(COL3A1):c.1662C>T (p.Pro554=)

Gene: COL3A1 (collagen type III alpha 1 chain; plus strand). Cytogenetic location: 2q32.2.
Variant type: single nucleotide variant.
Coding change: c.1662C>T on transcript NM_000090.4 (MANE Select); coding-DNA position 1662, C replaced by T.
Protein change: p.Pro554=; no amino-acid change (proline 554 retained).
Molecular consequence: synonymous variant.
Genome position (GRCh38, 1-based): chr2:188,996,178, C>T. VCF-style: chr2-188996178-C-T. GRCh37 (hg19) VCF-style: chr2-189860904-C-T.
Other names: p.Pro554=.
Identifiers: ClinVar variation 459767 (VCV000459767.21), dbSNP rs373963384, ClinGen allele CA074534.